The following is an entry in ClinVar:

ClinVar aggregate classification (germline): Benign (1 of 4 stars; one submission).

Allele frequency attached by ClinVar (database versions not stated): ESP Exome Variant Server 0.00331; 1000 Genomes Project 30x 0.00390; 1000 Genomes Project 0.00479; ExAC 0.00654.

Submission:

CeGaT Center for Human Genetics Tuebingen
Classification: Benign. Last evaluated: 2026-08-01. Review status: criteria provided, single submitter. Criteria: CeGaT Center For Human Genetics Tuebingen Variant Classification Criteria Version 2. Collection method: clinical testing. Allele origin: germline. Affected: yes. Observed: 11 variant alleles.
Comment: CLDN9: BP4, BP7, BS1, BS2

NM_020982.4(CLDN9):c.222G>A (p.Pro74=)

Gene: CLDN9 (claudin 9; plus strand). Cytogenetic location: 16p13.3.
Variant type: single nucleotide variant.
Coding change: c.222G>A on transcript NM_020982.4 (MANE Select); coding-DNA position 222, G replaced by A.
Protein change: p.Pro74=; no amino-acid change (proline 74 retained).
Molecular consequence: synonymous variant.
Genome position (GRCh38, 1-based): chr16:3,013,584, G>A. VCF-style: chr16-3013584-G-A. GRCh37 (hg19) VCF-style: chr16-3063585-G-A.
Identifiers: ClinVar variation 2498646 (VCV002498646.28), dbSNP rs151129127, ClinGen allele CA7854004.
Genomic context (GRCh38, chr16:3,013,584, plus strand): 5'-CGTGGTGCAGAGCACGGGCCAGATGCAGTGCAAGGTGTACGACTCACTGCTGGCTCTGCC[G>A]CAGGACCTGCAGGCCGCACGTGCCCTCTGTGTCATTGCCCTCCTGCTGGCCCTGCTTGGC-3'
Protein context (NP_066192.1, residues 64-84): CKVYDSLLAL[Pro74=]QDLQAARALC